The following is an entry in ClinVar:

ClinVar aggregate classification (germline): Conflicting classifications of pathogenicity. Review status: criteria provided, conflicting classifications (1 of 4 stars). 5 submissions from 5 submitters: Uncertain significance (1); Likely benign (3). 1 of the submissions does not count toward it. Last evaluated 2026-01-28.

Conditions:
Hereditary glaucoma, primary closed-angle. Also called: Glaucoma, primary closed-angle. Identifiers: MedGen C5394374, MONDO:0030038, OMIM 618880.
Knobloch syndrome 1 (KNO1). Identifiers: MedGen C4551775, MONDO:0800167, OMIM 267750.
COL18A1-related disorder. Also called: COL18A1-related condition; COL18A1-related disorders.

Allele frequency attached by ClinVar (database versions not stated): gnomAD exomes 0.00013 and 0.00032; ExAC 0.00017; ESP Exome Variant Server 0.00030; 1000 Genomes Project 30x 0.00109; 1000 Genomes Project 0.00120; gnomAD 0.00140 and 0.00154; TOPMed 0.00152.
gnomAD v4.1: 399 of 1,537,396 alleles (0.026%); highest among the groups gnomAD compares: African/African-American, 0.46%; no homozygotes.

Submissions (5):

Labcorp Genetics (formerly Invitae), Labcorp
Classification: Likely benign. Last evaluated: 2026-01-28. Review status: criteria provided, single submitter. Criteria: Invitae Variant Classification Sherloc (09022015). Collection method: clinical testing. Allele origin: germline.

Blueprint Genetics
Classification: Likely benign. Last evaluated: 2024-10-16. Review status: criteria provided, single submitter. Criteria: ACMG Guidelines, 2015. Collection method: clinical testing. Allele origin: germline.

GeneDx
Classification: Uncertain significance. Last evaluated: 2024-03-25. Review status: criteria provided, single submitter. Criteria: GeneDx Variant Classification Process June 2021. Collection method: clinical testing. Allele origin: germline. Affected: yes.
Comment: In silico analysis supports that this missense variant has a deleterious effect on protein structure/function; Has not been previously published as pathogenic or benign to our knowledge

Fulgent Genetics
Classification: Likely benign for Knobloch syndrome 1; Hereditary glaucoma, primary closed-angle. Last evaluated: 2021-07-28. Review status: criteria provided, single submitter. Criteria: ACMG Guidelines, 2015. Collection method: clinical testing. Allele origin: unknown.

PreventionGenetics, part of Exact Sciences
Classification: Likely benign for COL18A1-related condition. Last evaluated: 2022-02-27. Review status: no assertion criteria provided. Collection method: clinical testing. Allele origin: germline. Not counted in ClinVar's aggregate classification.
Comment: This variant is classified as likely benign based on ACMG/AMP sequence variant interpretation guidelines (Richards et al. 2015 PMID: 25741868, with internal and published modifications).

NM_001379500.1(COL18A1):c.3316C>T (p.Arg1106Trp)

Genes: COL18A1 (collagen type XVIII alpha 1 chain; plus strand), SLC19A1 (solute carrier family 19 member 1; minus strand). Cytogenetic location: 21q22.3.
Variant type: single nucleotide variant.
Coding change: c.3316C>T on transcript NM_001379500.1 (MANE Select); coding-DNA position 3316, C replaced by T.
Protein change: p.Arg1106Trp; replaces arginine 1106 with tryptophan.
Molecular consequence: missense variant.
Genome position (GRCh38, 1-based): chr21:45,509,422, C>T. VCF-style: chr21-45509422-C-T. GRCh37 (hg19) VCF-style: chr21-46929336-C-T.
Other names: NM_130445.2:c.3307C>T; c.3847C>T, p.Arg1283Trp (NM_030582.4); c.4552C>T, p.Arg1518Trp (NM_130444.3); c.3847C>T (NM_030582.3); short protein forms R1106W, R1283W, R1518W.
Identifiers: ClinVar variation 1119343 (VCV001119343.14), dbSNP rs377620137, ClinGen allele CA10067852.